The following is an entry in ClinVar:

NM_016006.6(ABHD5):c.403A>G (p.Ile135Val)

Gene: ABHD5 (abhydrolase domain containing 5, lysophosphatidic acid acyltransferase; plus strand). Cytogenetic location: 3p21.33.
Variant type: single nucleotide variant.
Coding change: c.403A>G on transcript NM_016006.6 (MANE Select); coding-DNA position 403, A replaced by G.
Protein change: p.Ile135Val; replaces isoleucine 135 with valine.
Molecular consequence: missense variant. On other transcripts: non-coding transcript variant (1).
Genome position (GRCh38, 1-based): chr3:43,702,484, A>G. VCF-style: chr3-43702484-A-G. GRCh37 (hg19) VCF-style: chr3-43743976-A-G.
Other names: c.403A>G, p.Ile135Val (NM_001355186.2, NM_001365650.1); c.280A>G, p.Ile94Val (NM_001365649.1); short protein forms I135V, I94V.
Identifiers: ClinVar variation 1430655 (VCV001430655.3), dbSNP rs765897182, ClinGen allele CA2341333.

ClinVar aggregate classification (germline): Uncertain significance (1 of 4 stars; one submission).

Allele frequency attached by ClinVar (database versions not stated): ExAC 0.00001; gnomAD exomes 0.00001 and 0.00004; TOPMed 0.00001.
gnomAD v4.1: 16 of 1,614,236 alleles (0.00099%); highest among the groups gnomAD compares: Admixed American, 0.017%; no homozygotes.

Submission:

Labcorp Genetics (formerly Invitae), Labcorp
Classification: Uncertain significance. Last evaluated: 2022-07-26. Review status: criteria provided, single submitter. Criteria: Invitae Variant Classification Sherloc (09022015). Collection method: clinical testing. Allele origin: germline.
Comment: This sequence change replaces isoleucine, which is neutral and non-polar, with valine, which is neutral and non-polar, at codon 135 of the ABHD5 protein (p.Ile135Val). This variant is present in population databases (rs765897182, gnomAD 0.02%). This variant has not been reported in the literature in individuals affected with ABHD5-related conditions. ClinVar contains an entry for this variant (Variation ID: 1430655). Algorithms developed to predict the effect of missense changes on protein structure and function output the following: SIFT: "Tolerated"; PolyPhen-2: "Benign"; Align-GVGD: "Class C0". The valine amino acid residue is found in multiple mammalian species, which suggests that this missense change does not adversely affect protein function. In summary, the available evidence is currently insufficient to determine the role of this variant in disease. Therefore, it has been classified as a Variant of Uncertain Significance.